The following is an entry in ClinVar:

ClinVar aggregate classification (germline): Uncertain significance. Review status: criteria provided, multiple submitters, no conflicts (2 of 4 stars). 2 submissions from 2 submitters: Uncertain significance (2). Last evaluated 2025-08-02.

Conditions:
Inborn genetic diseases. Identifiers: MedGen C0950123, MeSH D030342.
Bilateral microtia-deafness-cleft palate syndrome. Identifiers: Orphanet 140963, MedGen C2676772, MONDO:0012854, OMIM 612290.

Allele frequency attached by ClinVar (database versions not stated): TOPMed 0.00005.
gnomAD v4.1: 11 of 1,614,142 alleles (0.00068%); highest among the groups gnomAD compares: African/African-American, 0.015%; no homozygotes.

Submissions (2):

Ambry Genetics
Classification: Uncertain significance for Inborn genetic diseases. Last evaluated: 2025-08-02. Review status: criteria provided, single submitter. Criteria: Ambry Variant Classification Scheme 2023. Collection method: clinical testing. Allele origin: germline.

Baylor Genetics
Classification: Uncertain significance for Bilateral microtia-deafness-cleft palate syndrome. Last evaluated: 2018-03-02. Review status: criteria provided, single submitter. Criteria: ACMG Guidelines, 2015. Collection method: clinical testing. Allele origin: paternal. Affected: yes.
Comment: This variant was determined to be of uncertain significance according to ACMG Guidelines, 2015 [PMID:25741868].

NM_006735.4(HOXA2):c.1006C>G (p.Leu336Val)

Gene: HOXA2 (homeobox A2; minus strand). Cytogenetic location: 7p15.2.
Variant type: single nucleotide variant.
Coding change: c.1006C>G on transcript NM_006735.4 (MANE Select); coding-DNA position 1006, C replaced by G.
Protein change: p.Leu336Val; replaces leucine 336 with valine.
Molecular consequence: missense variant.
Genome position (GRCh38, 1-based): chr7:27,100,851, G>C on the plus strand (C>G on the coding strand, the complement: HOXA2 is on the minus strand). VCF-style: chr7-27100851-G-C. GRCh37 (hg19) VCF-style: chr7-27140470-G-C.
Other names: short protein forms L336V.
Identifiers: ClinVar variation 1033141 (VCV001033141.2), dbSNP rs149108490, ClinGen allele CA4196090.